The following is an entry in ClinVar:

ClinVar aggregate classification (germline): Uncertain significance (1 of 4 stars; one submission).

Allele frequency attached by ClinVar (database versions not stated): ExAC 0.00001; gnomAD 0.00001 and 0.00003; gnomAD exomes 0.00001; TOPMed 0.00002; 1000 Genomes Project 0.00040; 1000 Genomes Project 30x 0.00062.
gnomAD v4.1: 13 of 1,613,776 alleles (0.00081%); highest among the groups gnomAD compares: Admixed American, 0.02%; no homozygotes.

Submission:

Labcorp Genetics (formerly Invitae), Labcorp
Classification: Uncertain significance. Last evaluated: 2023-08-18. Review status: criteria provided, single submitter. Criteria: Invitae Variant Classification Sherloc (09022015). Collection method: clinical testing. Allele origin: germline.
Comment: Variants that disrupt the consensus splice site are a relatively common cause of aberrant splicing (PMID: 17576681, 9536098). Algorithms developed to predict the effect of sequence changes on RNA splicing suggest that this variant is not likely to affect RNA splicing. This sequence change falls in intron 10 of the PRPF4 gene. It does not directly change the encoded amino acid sequence of the PRPF4 protein. It affects a nucleotide within the consensus splice site. This variant is present in population databases (rs199859291, gnomAD 0.003%). This variant has not been reported in the literature in individuals affected with PRPF4-related conditions. ClinVar contains an entry for this variant (Variation ID: 1025526). In summary, the available evidence is currently insufficient to determine the role of this variant in disease. Therefore, it has been classified as a Variant of Uncertain Significance.

Literature cited by the submitters: PubMed 17576681; PubMed 9536098.

NM_001244926.2(PRPF4):c.1022+3G>A

Gene: PRPF4 (pre-mRNA splicing tri-snRNP complex factor PRPF4; plus strand). Cytogenetic location: 9q32.
Variant type: single nucleotide variant.
Coding change: c.1022+3G>A on transcript NM_001244926.2 (MANE Select); 3 bases into the intron after coding-DNA position 1022, G replaced by A.
Molecular consequence: intron variant.
Genome position (GRCh38, 1-based): chr9:113,288,267, G>A. VCF-style: chr9-113288267-G-A. GRCh37 (hg19) VCF-style: chr9-116050547-G-A.
Other names: c.296+3G>A (NM_001322267.2, NM_001322266.2); c.1025+3G>A (NM_004697.5).
Identifiers: ClinVar variation 1025526 (VCV001025526.7), dbSNP rs199859291, ClinGen allele CA5195065.
Genomic context (GRCh38, chr9:113,288,267, plus strand): 5'-CAGTGCGTGTGGCGCGGGTAATGTGGCATCCTTCAGGACGTTTCCTGGGCACCACCTGGT[G>A]AGCCATCCTGTTATTGTTTTATCCATATAGGCCTGTAGCATCTTCTTAACCCTTTATGGC-3'